The following is an entry in ClinVar:

ClinVar aggregate classification (germline): Uncertain significance (1 of 4 stars; one submission).

Allele frequency attached by ClinVar (database versions not stated): gnomAD 0.00001; gnomAD exomes 0.00001; ExAC 0.00002; TOPMed 0.00002.
gnomAD v4.1: 15 of 1,613,950 alleles (0.00093%); highest among the groups gnomAD compares: Non-Finnish European, 0.0013%; no homozygotes.

Submission:

Labcorp Genetics (formerly Invitae), Labcorp
Classification: Uncertain significance. Last evaluated: 2025-12-02. Review status: criteria provided, single submitter. Criteria: Invitae Variant Classification Sherloc (09022015). Collection method: clinical testing. Allele origin: germline.
Comment: This sequence change replaces serine, which is neutral and polar, with alanine, which is neutral and non-polar, at codon 193 of the RCBTB1 protein (p.Ser193Ala). This variant is present in population databases (rs767816377, gnomAD 0.005%). This variant has not been reported in the literature in individuals affected with RCBTB1-related conditions. ClinVar contains an entry for this variant (Variation ID: 1897791). Invitae Evidence Modeling of protein sequence and biophysical properties (such as structural, functional, and spatial information, amino acid conservation, physicochemical variation, residue mobility, and thermodynamic stability) has been performed for this missense variant. However, the output from this modeling did not meet the statistical confidence thresholds required to predict the impact of this variant on RCBTB1 protein function. In summary, the available evidence is currently insufficient to determine the role of this variant in disease. Therefore, it has been classified as a Variant of Uncertain Significance.

NM_018191.4(RCBTB1):c.577T>G (p.Ser193Ala)

Gene: RCBTB1 (RCC1 and BTB domain containing protein 1; minus strand). Cytogenetic location: 13q14.2.
Variant type: single nucleotide variant.
Coding change: c.577T>G on transcript NM_018191.4 (MANE Select); coding-DNA position 577, T replaced by G.
Protein change: p.Ser193Ala; replaces serine 193 with alanine.
Molecular consequence: missense variant. On other transcripts: 5 prime UTR variant (1), non-coding transcript variant (2).
Genome position (GRCh38, 1-based): chr13:49,555,541, A>C on the plus strand (T>G on the coding strand, the complement: RCBTB1 is on the minus strand). VCF-style: chr13-49555541-A-C. GRCh37 (hg19) VCF-style: chr13-50129677-A-C.
Other names: c.577T>G, p.Ser193Ala (NM_001352500.2, NM_001352501.2, NM_001352502.2 and 3 more transcripts); c.-3T>G (NM_001352506.2); short protein forms S193A.
Identifiers: ClinVar variation 1897791 (VCV001897791.5), dbSNP rs767816377, ClinGen allele CA6982848.